The following is an entry in ClinVar:

ClinVar aggregate classification (germline): Uncertain significance (1 of 4 stars; one submission).

Conditions:
Neuronal ceroid lipofuscinosis 7 (CLN7). Also called: MFSD8-Related Neuronal Ceroid-Lipofuscinosis. Identifiers: Orphanet 168491, Orphanet 228366, MedGen C1838571, MONDO:0012588, OMIM 610951.

Submission:

Labcorp Genetics (formerly Invitae), Labcorp
Classification: Uncertain significance for Neuronal ceroid lipofuscinosis 7. Last evaluated: 2022-08-15. Review status: criteria provided, single submitter. Criteria: Invitae Variant Classification Sherloc (09022015). Collection method: clinical testing. Allele origin: germline.
Comment: This variant results in a copy number gain of the genomic region encompassing exon(s) 2-10 of the MFSD8 gene. This region includes the initiator codon of the gene. This copy number gain extends beyond the assayed region for this gene and therefore may encompass additional genes. As the precise location of this event is unknown, it may be in tandem or it may be located elsewhere in the genome. This variant has not been reported in the literature in individuals affected with MFSD8-related conditions. In summary, the available evidence is currently insufficient to determine the role of this variant in disease. Therefore, it has been classified as a Variant of Uncertain Significance.

NC_000004.11:g.(?_128851818)_(128886288_?)dup

Gene: MFSD8 (major facilitator superfamily domain containing 8; minus strand). Cytogenetic location: 4q28.2.
Variant type: Duplication.
Identifiers: ClinVar variation 2427417 (VCV002427417.3).